The following is an entry in ClinVar:

NM_005204.4(MAP3K8):c.1402T>C (p.Ter468Arg)

Gene: MAP3K8 (mitogen-activated protein kinase kinase kinase 8; plus strand). Cytogenetic location: 10p11.23.
Variant type: single nucleotide variant.
Coding change: c.1402T>C on transcript NM_005204.4 (MANE Select); coding-DNA position 1402, T replaced by C.
Protein change: p.Ter468Arg.
Molecular consequence: stop lost.
Genome position (GRCh38, 1-based): chr10:30,460,834, T>C. VCF-style: chr10-30460834-T-C. GRCh37 (hg19) VCF-style: chr10-30749763-T-C.
Other names: c.1402T>C, p.Ter468Arg (NM_001244134.1, NM_001320961.2).
Identifiers: ClinVar variation 1898876 (VCV001898876.5), dbSNP rs756790446, ClinGen allele CA5459947.

ClinVar aggregate classification (germline): Uncertain significance (1 of 4 stars; one submission).

Allele frequency attached by ClinVar (database versions not stated): gnomAD 0.00001; gnomAD exomes 0.00001; ExAC 0.00002; TOPMed 0.00002.
gnomAD v4.1: 7 of 1,613,406 alleles (0.00043%); highest among the groups gnomAD compares: Admixed American, 0.0067%; no homozygotes.

Submission:

Labcorp Genetics (formerly Invitae), Labcorp
Classification: Uncertain significance. Last evaluated: 2023-05-22. Review status: criteria provided, single submitter. Criteria: Invitae Variant Classification Sherloc (09022015). Collection method: clinical testing. Allele origin: germline.
Comment: In summary, the available evidence is currently insufficient to determine the role of this variant in disease. Therefore, it has been classified as a Variant of Uncertain Significance. Experimental studies and prediction algorithms are not available or were not evaluated, and the functional significance of this variant is currently unknown. This sequence change disrupts the translational stop signal of the MAP3K8 mRNA. It is expected to extend the length of the MAP3K8 protein by 7 additional amino acid residues. ClinVar contains an entry for this variant (Variation ID: 1898876). This variant has not been reported in the literature in individuals affected with MAP3K8-related conditions. This variant is present in population databases (rs756790446, gnomAD 0.01%).